The following is an entry in ClinVar:

NM_018896.5(CACNA1G):c.1556C>T (p.Pro519Leu)

Gene: CACNA1G (calcium voltage-gated channel subunit alpha1 G; plus strand). Cytogenetic location: 17q21.33.
Variant type: single nucleotide variant.
Coding change: c.1556C>T on transcript NM_018896.5 (MANE Select); coding-DNA position 1556, C replaced by T.
Protein change: p.Pro519Leu; replaces proline 519 with leucine.
Molecular consequence: missense variant. On other transcripts: non-coding transcript variant (5).
Genome position (GRCh38, 1-based): chr17:50,575,958, C>T. VCF-style: chr17-50575958-C-T. GRCh37 (hg19) VCF-style: chr17-48653319-C-T.
Other names: c.1556C>T (NM_018896.3); c.1556C>T, p.Pro519Leu (NM_001256324.2, NM_001256325.2, NM_001256326.2 and 24 more transcripts); short protein forms P519L.
Identifiers: ClinVar variation 380489 (VCV000380489.9), dbSNP rs757227515, ClinGen allele CA8652193.

ClinVar aggregate classification (germline): Conflicting classifications of pathogenicity. Review status: criteria provided, conflicting classifications (1 of 4 stars). 4 submissions from 4 submitters: Uncertain significance (2); Likely benign (2). Last evaluated 2024-11-27.

Conditions:
Inborn genetic diseases. Identifiers: MedGen C0950123, MeSH D030342.

Allele frequency attached by ClinVar (database versions not stated): gnomAD 0.00005; gnomAD exomes 0.00007; TOPMed 0.00010; ExAC 0.00016.

Submissions (4):

Women's Health and Genetics/Laboratory Corporation of America, LabCorp
Classification: Uncertain significance. Last evaluated: 2024-11-27. Review status: criteria provided, single submitter. Criteria: LabCorp Variant Classification Summary - May 2015. Collection method: clinical testing. Allele origin: germline.
Comment: Variant summary: CACNA1G c.1556C>T (p.Pro519Leu) results in a non-conservative amino acid change in the encoded protein sequence. Three of five in-silico tools predict a damaging effect of the variant on protein function. The variant allele was found at a frequency of 7.1e-05 in 154428 control chromosomes. This frequency is not significantly higher than estimated for a pathogenic variant in CACNA1G causing Spinocerebellar Ataxia Type 42, allowing no conclusion about variant significance. To our knowledge, no occurrence of c.1556C>T in individuals affected with Spinocerebellar Ataxia Type 42 and no experimental evidence demonstrating its impact on protein function have been reported. ClinVar contains an entry for this variant (Variation ID: 380489). Based on the evidence outlined above, the variant was classified as uncertain significance.

Ambry Genetics
Classification: Likely benign for Inborn genetic diseases. Last evaluated: 2024-05-30. Review status: criteria provided, single submitter. Criteria: Ambry Variant Classification Scheme 2023. Collection method: clinical testing. Allele origin: germline.

GeneDx
Classification: Likely benign. Last evaluated: 2021-06-03. Review status: criteria provided, single submitter. Criteria: GeneDx Variant Classification Process June 2021. Collection method: clinical testing. Allele origin: germline. Affected: yes.

Revvity Omics, Revvity
Classification: Uncertain significance. Last evaluated: 2019-10-29. Review status: criteria provided, single submitter. Criteria: ACMG Guidelines, 2015. Collection method: clinical testing. Allele origin: germline.